The following is an entry in ClinVar:

NM_170606.3(KMT2C):c.1344G>T (p.Gln448His)

Gene: KMT2C (lysine methyltransferase 2C; minus strand). Cytogenetic location: 7q36.1.
Variant type: single nucleotide variant.
Coding change: c.1344G>T on transcript NM_170606.3 (MANE Select); coding-DNA position 1344, G replaced by T.
Protein change: p.Gln448His; replaces glutamine 448 with histidine.
Molecular consequence: missense variant.
Genome position (GRCh38, 1-based): chr7:152,252,671, C>A on the plus strand (G>T on the coding strand, the complement: KMT2C is on the minus strand). VCF-style: chr7-152252671-C-A. GRCh37 (hg19) VCF-style: chr7-151949756-C-A.
Other names: short protein forms Q448H.
Identifiers: ClinVar variation 134738 (VCV000134738.31), dbSNP rs149250254, ClinGen allele CA160649.
Genomic context (GRCh38, chr7:152,252,671, plus strand): 5'-GGGACATAAGTTATCCTGCTGTTGGTAACAATTGTCACATATCAGGCAATTGTGGTGCCA[C>A]TGAGAACTAGACCGTGTGCCACACTCTATACATATTCTGCAATTCTAAACACCAGGAAAA-3'
Protein context (NP_733751.2, residues 438-458): CIECGTRSSS[Gln448His]WHHNCLICDN

ClinVar aggregate classification (germline): Likely benign. Review status: criteria provided, multiple submitters, no conflicts (2 of 4 stars). 3 submissions from 3 submitters: Likely benign (2). 1 of the submissions does not count toward it. Last evaluated 2025-10-11.

Allele frequency attached by ClinVar (database versions not stated): 1000 Genomes Project 0.00020; 1000 Genomes Project 30x 0.00031; ExAC 0.00042; gnomAD exomes 0.00052 and 0.00161; gnomAD 0.00054; TOPMed 0.00094; ESP Exome Variant Server 0.00138.
gnomAD v4.1: 2,441 of 1,613,630 alleles (0.15%); highest among the groups gnomAD compares: Non-Finnish European, 0.2%; 3 homozygotes.

Submissions (3):

Labcorp Genetics (formerly Invitae), Labcorp
Classification: Likely benign. Last evaluated: 2025-10-11. Review status: criteria provided, single submitter. Criteria: Invitae Variant Classification Sherloc (09022015). Collection method: clinical testing. Allele origin: germline.

CeGaT Center for Human Genetics Tuebingen
Classification: Likely benign. Last evaluated: 2025-02-01. Review status: criteria provided, single submitter. Criteria: CeGaT Center For Human Genetics Tuebingen Variant Classification Criteria Version 2. Collection method: clinical testing. Allele origin: germline. Affected: yes. Observed: 1 variant allele.
Comment: KMT2C: BS1

ITMI
No classification provided. Condition: AllHighlyPenetrant. Last evaluated: 2013-09-19. Review status: no classification provided. Collection method: reference population. Allele origin: germline. Not counted in ClinVar's aggregate classification.
Comment: Please see associated publication for description of ethnicities

Literature cited by the submitters: PubMed 24728327 (cited by ITMI).